The following is an entry in ClinVar:

ClinVar aggregate classification (germline): Pathogenic (1 of 4 stars; one submission).

Conditions:
Neurofibromatosis, type 1 (NF1). Also called: Peripheral type neurofibromatosis; NEUROFIBROMATOSIS, TYPE I, SOMATIC; VON RECKLINGHAUSEN DISEASE; Neurofibromatosis, type I. Identifiers: Orphanet 636, MedGen C0027831, MONDO:0018975, OMIM 162200. Disease mechanism: loss of function.

Submission:

Labcorp Genetics (formerly Invitae), Labcorp
Classification: Pathogenic for Neurofibromatosis, type 1. Last evaluated: 2022-03-02. Review status: criteria provided, single submitter. Criteria: Invitae Variant Classification Sherloc (09022015). Collection method: clinical testing. Allele origin: germline.
Comment: For these reasons, this variant has been classified as Pathogenic. This variant has not been reported in the literature in individuals affected with NF1-related conditions. This variant is not present in population databases (gnomAD no frequency). This sequence change creates a premature translational stop signal (p.Met867Trpfs*11) in the NF1 gene. It is expected to result in an absent or disrupted protein product. Loss-of-function variants in NF1 are known to be pathogenic (PMID: 10712197, 23913538).

Literature cited by the submitters: PubMed 10712197; PubMed 23913538.

NM_001042492.3(NF1):c.2598del (p.Met867fs)

Gene: NF1 (neurofibromin 1; plus strand). Cytogenetic location: 17q11.2.
Variant type: Deletion.
Coding change: c.2598del on transcript NM_001042492.3 (MANE Select); coding-DNA position 2598, one base deleted (C; older notation c.2598delC).
Protein change: p.Met867fs; shifts the reading frame from methionine 867.
Molecular consequence: frameshift variant.
Genome position (GRCh38, 1-based): chr17:31,229,213, C deleted; the last of 3 consecutive C bases (chr17:31,229,211-31,229,213); deleting any one gives the same sequence. VCF-style (leftmost placement, unchanged base first): chr17-31229210-AC-A. GRCh37 (hg19) VCF-style: chr17-29556228-AC-A.
Other names: c.2598delC, p.Met867Trpfs (NM_000267.4); short protein forms M867fs.
Identifiers: ClinVar variation 2105673 (VCV002105673.4), dbSNP rs2508184912, ClinGen allele CA2580093317.